The following is an entry in ClinVar:

NM_014008.5(CCDC22):c.1343G>T (p.Arg448Leu)

Gene: CCDC22 (coiled-coil domain containing 22; plus strand). Cytogenetic location: Xp11.23.
Variant type: single nucleotide variant.
Coding change: c.1343G>T on transcript NM_014008.5 (MANE Select); coding-DNA position 1343, G replaced by T.
Protein change: p.Arg448Leu; replaces arginine 448 with leucine.
Molecular consequence: missense variant.
Genome position (GRCh38, 1-based): chrX:49,248,646, G>T. VCF-style: chrX-49248646-G-T. GRCh37 (hg19) VCF-style: chrX-49105107-G-T.
Other names: short protein forms R448L.
Identifiers: ClinVar variation 1032585 (VCV001032585.1), dbSNP rs782344227, ClinGen allele CA412940775.

ClinVar aggregate classification (germline): Uncertain significance (1 of 4 stars; one submission).

Conditions:
Ritscher-Schinzel syndrome 2. Identifiers: Orphanet 7, MedGen C4225419, MONDO:0010499, OMIM 300963.

gnomAD v4.1: 1 of 1,209,716 alleles (0.000083%); highest among the groups gnomAD compares: Non-Finnish European, 0.00011%; no homozygotes.

Submission:

Baylor Genetics
Classification: Uncertain significance for Ritscher-Schinzel syndrome 2. Last evaluated: 2018-05-15. Review status: criteria provided, single submitter. Criteria: ACMG Guidelines, 2015. Collection method: clinical testing. Allele origin: maternal. Affected: yes.
Comment: This variant was determined to be of uncertain significance according to ACMG Guidelines, 2015 [PMID:25741868].